The following is an entry in ClinVar:

NM_014704.4(CEP104):c.1588A>G (p.Ile530Val)

Gene: CEP104 (centrosomal protein 104; minus strand). Cytogenetic location: 1p36.32.
Variant type: single nucleotide variant.
Coding change: c.1588A>G on transcript NM_014704.4 (MANE Select); coding-DNA position 1588, A replaced by G.
Protein change: p.Ile530Val; replaces isoleucine 530 with valine.
Molecular consequence: missense variant.
Genome position (GRCh38, 1-based): chr1:3,833,933, T>C on the plus strand (A>G on the coding strand, the complement: CEP104 is on the minus strand). VCF-style: chr1-3833933-T-C. GRCh37 (hg19) VCF-style: chr1-3750497-T-C.
Other names: short protein forms I530V.
Identifiers: ClinVar variation 859036 (VCV000859036.11), dbSNP rs561088543, ClinGen allele CA551567.

ClinVar aggregate classification (germline): Conflicting classifications of pathogenicity. Review status: criteria provided, conflicting classifications (1 of 4 stars). 3 submissions from 3 submitters: Uncertain significance (1); Likely benign (2). Last evaluated 2025-05-05.

Conditions:
Joubert syndrome 25 (JBTS25). Identifiers: Orphanet 475, MedGen C4084842, MONDO:0014770, OMIM 616781.
Inborn genetic diseases. Identifiers: MedGen C0950123, MeSH D030342.

Allele frequency attached by ClinVar (database versions not stated): gnomAD below 0.00001 and 0.00011; TOPMed 0.00002; gnomAD exomes 0.00008 and 0.00018; ExAC 0.00020; 1000 Genomes Project 0.00120; 1000 Genomes Project 30x 0.00125.

Submissions (3):

Women's Health and Genetics/Laboratory Corporation of America, LabCorp
Classification: Likely benign. Last evaluated: 2025-05-05. Review status: criteria provided, single submitter. Criteria: LabCorp Variant Classification Summary - May 2015. Collection method: clinical testing. Allele origin: germline.
Comment: Variant summary: CEP104 c.1588A>G (p.Ile530Val) results in a conservative amino acid change in the encoded protein sequence. Algorithms developed to predict the effect of missense changes on protein structure and function all suggest that this variant is likely to be tolerated. The variant allele was found at a frequency of 0.00018 in 251484 control chromosomes, predominantly at a frequency of 0.0015 within the South Asian subpopulation in the gnomAD database. The observed variant frequency within South Asian control individuals in the gnomAD database is approximately 3.8 fold of the estimated maximal expected allele frequency for a pathogenic variant in CEP104 causing Joubert Syndrome And Related Disorders phenotype (0.0004). To our knowledge, no occurrence of c.1588A>G in individuals affected with Joubert Syndrome And Related Disorders and no experimental evidence demonstrating its impact on protein function have been reported. ClinVar contains an entry for this variant (Variation ID: 859036). Based on the evidence outlined above, the variant was classified as likely benign.

Ambry Genetics
Classification: Likely benign for Inborn genetic diseases. Last evaluated: 2023-04-19. Review status: criteria provided, single submitter. Criteria: Ambry Variant Classification Scheme 2023. Collection method: clinical testing. Allele origin: germline.

Labcorp Genetics (formerly Invitae), Labcorp
Classification: Uncertain significance for Joubert syndrome 25. Last evaluated: 2019-01-27. Review status: criteria provided, single submitter. Criteria: Invitae Variant Classification Sherloc (09022015). Collection method: clinical testing. Allele origin: germline.
Comment: This sequence change replaces isoleucine with valine at codon 530 of the CEP104 protein (p.Ile530Val). The isoleucine residue is weakly conserved and there is a small physicochemical difference between isoleucine and valine. In summary, the available evidence is currently insufficient to determine the role of this variant in disease. Therefore, it has been classified as a Variant of Uncertain Significance. Algorithms developed to predict the effect of missense changes on protein structure and function output the following: SIFT: "Tolerated"; PolyPhen-2: "Benign"; Align-GVGD: "Class C0". The valine amino acid residue is found in multiple mammalian species, suggesting that this missense change does not adversely affect protein function. These predictions have not been confirmed by published functional studies and their clinical significance is uncertain. This variant has not been reported in the literature in individuals with CEP104-related conditions. This variant is present in population databases (rs561088543, ExAC 0.1%).